The following is an entry in ClinVar:

Conditions:
Breast-ovarian cancer, familial, susceptibility to, 1 (BROVCA1). Also called: BRCA1 Hereditary Breast and Ovarian Cancer; OVARIAN CANCER, SUSCEPTIBILITY TO. Identifiers: Orphanet 145, MedGen C2676676, MONDO:0011450, OMIM 604370. Disease mechanism: loss of function.

Submission:

Brotman Baty Institute, University of Washington
No classification provided (evidence only). Condition: Breast-ovarian cancer, familial 1. Review status: no classification provided. Collection method: in vitro. Allele origin: not applicable. Functional consequence: functionally_normal.
ClinVar note: "not provided" was previously submitted as the classification for the variant. However, the classification appeared to be based only on an observation of functional data so it was converted to no classification on 2025-07-30.

NM_007294.4(BRCA1):c.270T>G (p.Ile90Met)

Gene: BRCA1 (BRCA1 DNA repair associated; minus strand). Cytogenetic location: 17q21.31.
Variant type: single nucleotide variant.
Coding change: c.270T>G on transcript NM_007294.4 (MANE Select); coding-DNA position 270, T replaced by G.
Protein change: p.Ile90Met; replaces isoleucine 90 with methionine.
Molecular consequence: missense variant. On other transcripts: non-coding transcript variant (1).
Genome position (GRCh38, 1-based): chr17:43,104,899, A>C on the plus strand (T>G on the coding strand, the complement: BRCA1 is on the minus strand). VCF-style: chr17-43104899-A-C. GRCh37 (hg19) VCF-style: chr17-41256916-A-C.
Other names: c.270T>G, p.Ile90Met (NM_001407627.1, NM_001407628.1, NM_001407629.1 and 168 more transcripts); c.192T>G, p.Ile64Met (NM_001407653.1, NM_001407654.1, NM_001407655.1 and 21 more transcripts); c.129T>G, p.Ile43Met (NM_001407692.1, NM_001407694.1, NM_001407695.1 and 99 more transcripts); c.60T>G, p.Ile20Met (NM_001407853.1, NM_001407879.1, NM_001407881.1 and 58 more transcripts); c.-112T>G (NM_001407959.1, NM_001407960.1, NM_001407962.1 and 4 more transcripts); c.138T>G, p.Ile46Met (NM_001408451.1); short protein forms I90M, I43M, I46M, I64M, I20M.
Identifiers: ClinVar variation 865618 (VCV000865618.3), dbSNP rs1555596670, ClinGen allele CA10601615.